The following is an entry in ClinVar:

NM_000612.6(IGF2):c.374G>A (p.Arg125His)

Genes: IGF2 (insulin like growth factor 2; minus strand), INS-IGF2 (INS-IGF2 readthrough; minus strand). Cytogenetic location: 11p15.5.
Variant type: single nucleotide variant.
Coding change: c.374G>A on transcript NM_000612.6 (MANE Select); coding-DNA position 374, G replaced by A.
Protein change: p.Arg125His; replaces arginine 125 with histidine.
Molecular consequence: missense variant. On other transcripts: non-coding transcript variant (1).
Genome position (GRCh38, 1-based): chr11:2,133,156, C>T on the plus strand (G>A on the coding strand, the complement: IGF2 is on the minus strand). VCF-style: chr11-2133156-C-T. GRCh37 (hg19) VCF-style: chr11-2154386-C-T.
Other names: c.374G>A, p.Arg125His (NM_001007139.6, NM_001291861.3, NM_001291862.3); c.542G>A, p.Arg181His (NM_001127598.3); short protein forms R181H, R125H.
Identifiers: ClinVar variation 4777552 (VCV004777552.1).

ClinVar aggregate classification (germline): Uncertain significance (1 of 4 stars; one submission).

gnomAD v4.1: 8 of 1,597,870 alleles (0.0005%); highest among the groups gnomAD compares: South Asian, 0.0011%; no homozygotes.

Submission:

Labcorp Genetics (formerly Invitae), Labcorp
Classification: Uncertain significance. Last evaluated: 2025-09-13. Review status: criteria provided, single submitter. Criteria: Invitae Variant Classification Sherloc (09022015). Collection method: clinical testing. Allele origin: germline.
Comment: This sequence change replaces arginine, which is basic and polar, with histidine, which is basic and polar, at codon 125 of the IGF2 protein (p.Arg125His). The frequency data for this variant in the population databases is considered unreliable, as metrics indicate poor data quality at this position in the gnomAD database. This variant has not been reported in the literature in individuals affected with IGF2-related conditions. An algorithm developed to predict the effect of missense changes on protein structure and function (PolyPhen-2) suggests that this variant is likely to be disruptive. In summary, the available evidence is currently insufficient to determine the role of this variant in disease. Therefore, it has been classified as a Variant of Uncertain Significance.